The following is an entry in ClinVar:

NM_004699.4(FAM50A):c.634C>T (p.Arg212Trp)

Gene: FAM50A (family with sequence similarity 50 member A; plus strand). Cytogenetic location: Xq28.
Variant type: single nucleotide variant.
Coding change: c.634C>T on transcript NM_004699.4 (MANE Select); coding-DNA position 634, C replaced by T.
Protein change: p.Arg212Trp; replaces arginine 212 with tryptophan.
Molecular consequence: missense variant.
Genome position (GRCh38, 1-based): chrX:154,448,940, C>T. VCF-style: chrX-154448940-C-T. GRCh37 (hg19) VCF-style: chrX-153677288-C-T.
Other names: short protein forms R212W.
Identifiers: ClinVar variation 1710418 (VCV001710418.8), dbSNP rs2523042827, ClinGen allele CA415217950.
Genomic context (GRCh38, chrX:154,448,940, plus strand): 5'-CTCTGCCTTGTAGGTGAGGAGATCGAGATCACCTTCAGCTACTGGGATGGCTCTGGGCAC[C>T]GGCGGACAGTCAAGGTAGGCAGCGTGCAGCCTGCTTCCTGCTCACCATGGGCCCAGCCTC-3'
Protein context (NP_004690.1, residues 202-222): TFSYWDGSGH[Arg212Trp]RTVKMRKGNT

ClinVar aggregate classification (germline): Conflicting classifications of pathogenicity. Review status: criteria provided, conflicting classifications (1 of 4 stars). 4 submissions from 4 submitters: Likely pathogenic (1); Uncertain significance (3). Last evaluated 2026-06-01.

Conditions:
Armfield syndrome (MRXSA). Identifiers: Orphanet 85276, MedGen C1846057, MONDO:0010284, OMIM 300261.

Submissions (4):

CeGaT Center for Human Genetics Tuebingen
Classification: Uncertain significance. Last evaluated: 2026-06-01. Review status: criteria provided, single submitter. Criteria: CeGaT Center For Human Genetics Tuebingen Variant Classification Criteria Version 2. Collection method: clinical testing. Allele origin: germline. Affected: yes. Observed: 1 variant allele.
Comment: FAM50A: PM2, PP2, PP3

Revvity Omics, Revvity
Classification: Uncertain significance for Armfield syndrome. Last evaluated: 2025-05-08. Review status: criteria provided, single submitter. Criteria: ACMG Guidelines, 2015. Collection method: clinical testing. Allele origin: germline.

Cytogenetique et Genetique Moleculaire, CHU Besancon
Classification: Likely pathogenic for Armfield syndrome. Last evaluated: 2023-03-07. Review status: criteria provided, single submitter. Criteria: ACMG Guidelines 2015. Collection method: in vivo. Allele origin: maternal. Inheritance: X-linked inheritance. Affected: yes. Observed: 1 variant allele.
Comment: This allowed us to classify it to a class IV ACMG variation adding a functional effect.

Greenwood Genetic Center Diagnostic Laboratories, Greenwood Genetic Center
Classification: Uncertain significance. Last evaluated: 2022-09-27. Review status: criteria provided, single submitter. Criteria: ACMG Guidelines, 2015. Collection method: clinical testing. Allele origin: somatic. Affected: yes.
Comment: PM2, PP2, PP3

Literature cited by the submitters: PubMed 32703943 (cited by Cytogenetique et Genetique Moleculaire, CHU Besancon).